The following is an entry in ClinVar:

ClinVar aggregate classification (germline): Likely pathogenic (1 of 4 stars; one submission).

Conditions:
Hereditary acrodermatitis enteropathica (AEZ). Also called: Acrodermatitis enteropathica. Identifiers: Orphanet 37, MedGen C0221036, MONDO:0008713, OMIM 201100.

Submission:

Natera, Inc.
Classification: Likely pathogenic for Acrodermatitis enteropathica. Last evaluated: 2025-12-19. Review status: criteria provided, single submitter. Criteria: Natera Variant Classification Schema (03/2026). Collection method: clinical testing. Allele origin: germline.
Comment: The c.533_546delinsT variant in SLC39A4 is a frameshift variant predicted to shift the reading frame beginning at codon 178 and leads to a stop codon 38 codons downstream. This variant is expected to result in nonsense mediated decay, truncation, or a dysfunctional protein product. This variant is rare in the general population with a frequency below the threshold expected for the associated phenotype(s). Given the available evidence, this variant is classified as Likely Pathogenic.

NM_130849.4(SLC39A4):c.533_546delinsT (p.Ser178fs)

Gene: SLC39A4 (solute carrier family 39 member 4; minus strand). Cytogenetic location: 8q24.3.
Variant type: Indel.
Coding change: c.533_546delinsT on transcript NM_130849.4 (MANE Select); coding-DNA positions 533 to 546, GTGCTGGCGGCGTC replaced by T.
Protein change: p.Ser178fs; shifts the reading frame from serine 178.
Molecular consequence: frameshift variant.
Genome position (GRCh38, 1-based): chr8:144,415,348-144,415,361, GACGCCGCCAGCAC replaced by A on the plus strand (GTGCTGGCGGCGTC replaced by T on the coding strand, the reverse complement: SLC39A4 is on the minus strand). VCF-style: chr8-144415348-GACGCCGCCAGCAC-A. GRCh37 (hg19) VCF-style: chr8-145640732-GACGCCGCCAGCAC-A.
Other names: c.251_264delinsT, p.Ser84fs (NM_001374839.1); c.458_471delinsT, p.Ser153fs (NM_017767.3); short protein forms S153fs, S178fs, S84fs.
Identifiers: ClinVar variation 4816471 (VCV004816471.1).
Genomic context (GRCh38, chr8:144,415,348, plus strand): 5'-AGGGCTCGGCAAGGCGTGGAAGCAAGACCCGCTCCTGACATGGTCCAGCAGGGCAGCCAG[GACGCCGCCAGCAC>A]TGCCCGGAGCCCCCGCCCCCACCGCCTCCTCCAGCAGCTGAGGGATATCTACGCAGGCCT-3'